The following is an entry in ClinVar:

ClinVar aggregate classification (germline): Uncertain significance (1 of 4 stars; one submission).

Conditions:
LEPR-related disorder. Also called: LEPR-related disorders; LEPR-related condition.

gnomAD v4.1: 83 of 1,613,978 alleles (0.0051%); highest among the groups gnomAD compares: Non-Finnish European, 0.0069%; no homozygotes.

Submission:

PreventionGenetics, part of Exact Sciences
Classification: Uncertain significance for LEPR-related condition. Last evaluated: 2026-07-11. Review status: criteria provided, single submitter. Criteria: ACMG Guidelines, 2015. Collection method: clinical testing. Allele origin: germline.
Comment: The LEPR c.1574C>T variant is predicted to result in the amino acid substitution p.Pro525Leu. This variant has been reported in an individual with obesity and also in a healthy control (Table S1, Šket. 2022. PubMed ID: 35574020). It has also been observed in a cohort of individuals with obesity, and in vitro functional studies showed function similar to wild-type levels (Supplemental Data Set, Shah et al. 2023. PubMed ID: 36864747). This variant is reported in 0.0085% of alleles in individuals of European (non-Finnish) descent in gnomAD. At this time, the clinical significance of this variant is uncertain due to the absence of conclusive functional and genetic evidence.

NM_002303.6(LEPR):c.1574C>T (p.Pro525Leu)

Gene: LEPR (leptin receptor; plus strand). Cytogenetic location: 1p31.3.
Variant type: single nucleotide variant.
Coding change: c.1574C>T on transcript NM_002303.6 (MANE Select); coding-DNA position 1574, C replaced by T.
Protein change: p.Pro525Leu; replaces proline 525 with leucine.
Molecular consequence: missense variant.
Genome position (GRCh38, 1-based): chr1:65,605,208, C>T. VCF-style: chr1-65605208-C-T. GRCh37 (hg19) VCF-style: chr1-66070891-C-T.
Other names: c.1574C>T, p.Pro525Leu (NM_001003679.3, NM_001003680.3, NM_001198687.2 and 2 more transcripts); short protein forms P525L.
Identifiers: ClinVar variation 3352582 (VCV003352582.2).